The following is an entry in ClinVar:

ClinVar aggregate classification (germline): Benign (1 of 4 stars; one submission).

Allele frequency attached by ClinVar (database versions not stated): 1000 Genomes Project 0.00140; gnomAD 0.00206; ESP Exome Variant Server 0.00223; TOPMed 0.00246; ExAC 0.00060; 1000 Genomes Project 30x 0.00125.
gnomAD v4.1: 606 of 1,604,542 alleles (0.038%); highest among the groups gnomAD compares: African/African-American, 0.74%; no homozygotes.

Submission:

Women's Health and Genetics/Laboratory Corporation of America, LabCorp
Classification: Benign. Last evaluated: 2026-04-02. Review status: criteria provided, single submitter. Criteria: LabCorp Variant Classification Summary - May 2015. Collection method: clinical testing. Allele origin: germline.
Comment: Variant summary: CFHR2 c.59-12T>C alters a nucleotide located at a position not widely known to affect splicing. Consensus agreement among computation tools predict no significant impact on normal splicing. However, these predictions have yet to be confirmed by functional studies. The variant allele was found at a frequency of 0.00046 in 247666 control chromosomes, predominantly at a frequency of 0.0067 within the African or African-American subpopulation in the gnomAD database. The observed variant frequency within African or African-American control individuals in the gnomAD database exceeds the estimated maximal expected allele frequency for disease-causing variants in CFHR2. To our knowledge, no occurrence of c.59-12T>C in individuals affected with CFHR2-related conditions and no experimental evidence demonstrating its impact on protein function have been reported. ClinVar contains an entry for this variant (Variation ID: 2637842). Based on the evidence outlined above, the variant was classified as benign.

NM_005666.4(CFHR2):c.59-12T>C

Gene: CFHR2 (complement factor H related 2; plus strand). Cytogenetic location: 1q31.3.
Variant type: single nucleotide variant.
Coding change: c.59-12T>C on transcript NM_005666.4 (MANE Select); 12 bases into the intron before coding-DNA position 59, T replaced by C.
Molecular consequence: intron variant.
Genome position (GRCh38, 1-based): chr1:196,949,443, T>C. VCF-style: chr1-196949443-T-C. GRCh37 (hg19) VCF-style: chr1-196918573-T-C.
Other names: c.58+5505T>C (NM_001312672.1); c.59-1409T>C (NM_001410924.1).
Identifiers: ClinVar variation 2637842 (VCV002637842.2), dbSNP rs183954936, ClinGen allele CA1307297.